The following is an entry in ClinVar:

NM_170665.4(ATP2A2):c.316G>A (p.Val106Ile)

Gene: ATP2A2 (ATPase sarcoplasmic/endoplasmic reticulum Ca2+ transporting 2; plus strand). Cytogenetic location: 12q24.11.
Variant type: single nucleotide variant.
Coding change: c.316G>A on transcript NM_170665.4 (MANE Select); coding-DNA position 316, G replaced by A.
Protein change: p.Val106Ile; replaces valine 106 with isoleucine.
Molecular consequence: missense variant. On other transcripts: 5 prime UTR variant (1), intron variant (1).
Genome position (GRCh38, 1-based): chr12:110,292,116, G>A. VCF-style: chr12-110292116-G-A. GRCh37 (hg19) VCF-style: chr12-110729921-G-A.
Other names: c.316G>A, p.Val106Ile (NM_001413014.1, NM_001681.4); c.-60G>A (NM_001413015.1); c.220-4483G>A (NM_001413013.1); short protein forms V106I.
Identifiers: ClinVar variation 4882761 (VCV004882761.2).
Genomic context (GRCh38, chr12:110,292,116, plus strand): 5'-ACAGCCTTTGTAGAACCTTTTGTAATTTTACTCATATTAGTAGCCAATGCAATTGTGGGT[G>A]TATGGCAGGTAAGCAAAAATTCCTGTACTGCAAAATTTCAATAAGTTATGTAAGTGATTA-3'
Protein context (NP_733765.1, residues 96-116): LILVANAIVG[Val106Ile]WQERNAENAI

ClinVar aggregate classification (germline): Uncertain significance (1 of 4 stars; one submission).

gnomAD v4.1: 8 of 1,613,598 alleles (0.0005%); highest among the groups gnomAD compares: East Asian, 0.016%; no homozygotes.

Submission:

Dasa
Classification: Uncertain significance. Last evaluated: 2025-10-17. Review status: criteria provided, single submitter. Criteria: DASA Assertion Criteria. Collection method: clinical testing. Allele origin: germline.
Comment: NM_170665.4(ATP2A2):c.316G>A (p.Val106Ile) is a missense variant that results in the substitution of valine with isoleucine. This variant is rare in population databases. The currently available literature and clinical evidence are not sufficient to establish a definitive association between this variant and the reported condition. Therefore, this variant is classified as a variant of uncertain significance.